The following is an entry in ClinVar:

NM_024824.5(ZC3H14):c.1023-4T>G

Gene: ZC3H14 (zinc finger CCCH-type containing 14; plus strand). Cytogenetic location: 14q31.3.
Variant type: single nucleotide variant.
Coding change: c.1023-4T>G on transcript NM_024824.5 (MANE Select); 4 bases into the intron before coding-DNA position 1023, T replaced by G.
Molecular consequence: intron variant.
Genome position (GRCh38, 1-based): chr14:88,575,836, T>G. VCF-style: chr14-88575836-T-G. GRCh37 (hg19) VCF-style: chr14-89042180-T-G.
Other names: c.921-4T>G (NM_001326297.2, NM_001326315.2, NM_001326301.2 and 3 more transcripts); c.1023-4T>G (NM_001160103.2, NM_001326310.2, NM_001160104.2 and 9 more transcripts); c.558-4T>G (NM_001326300.2, NM_001326302.2, NM_001326308.2 and 5 more transcripts).
Identifiers: ClinVar variation 130765 (VCV000130765.8), dbSNP rs1469602, ClinGen allele CA156035.
Genomic context (GRCh38, chr14:88,575,836, plus strand): 5'-ATGGCTGGCCTGTGAGGAACTGAAATTTAAAGTTTAATAAAAATACCTTTCTTAACTCTT[T>G]TAGACCTTCTCTTCCACCTTCTAAACAAGCTAACAAGAATCTGATTTTGAAGGCTATATC-3'

ClinVar aggregate classification (germline): Benign. Review status: criteria provided, multiple submitters, no conflicts (2 of 4 stars). 3 submissions from 3 submitters: Benign (2). 1 of the submissions does not count toward it. Last evaluated 2024-11-27.

Allele frequency attached by ClinVar (database versions not stated): 1000 Genomes Project 30x 0.48079; 1000 Genomes Project 0.48582; TOPMed 0.55208; gnomAD 0.58636 and 0.58669; ESP Exome Variant Server 0.59250; ExAC 0.61878.
gnomAD v4.1: 1,105,158 of 1,609,752 alleles (69%); highest among the groups gnomAD compares: Non-Finnish European, 74%; 392,062 homozygotes.

Submissions (3):

Blueprint Genetics
Classification: Benign. Last evaluated: 2024-11-27. Review status: criteria provided, single submitter. Criteria: ACMG Guidelines, 2015. Collection method: clinical testing. Allele origin: germline.

Breakthrough Genomics
Classification: Benign. Review status: criteria provided, single submitter. Criteria: ACMG Guidelines, 2015. Collection method: not provided. Allele origin: germline. Inheritance: Autosomal recessive inheritance. Affected: yes.

Genetic Services Laboratory, University of Chicago
Classification: Likely benign for AllHighlyPenetrant. Review status: no assertion criteria provided. Collection method: clinical testing. Allele origin: germline. Inheritance: Autosomal recessive inheritance. Not counted in ClinVar's aggregate classification.
Comment: Likely benign based on allele frequency in 1000 Genomes Project or ESP global frequency and its presence in a patient with a rare or unrelated disease phenotype. NOT Sanger confirmed.